The following is an entry in ClinVar:

ClinVar aggregate classification (germline): Uncertain significance (0 of 4 stars; one submission).

Conditions:
JAK2-related disorder. Also called: JAK2-related condition.

Submission:

PreventionGenetics, part of Exact Sciences
Classification: Uncertain significance for JAK2-related condition. Last evaluated: 2024-05-01. Review status: no assertion criteria provided. Collection method: clinical testing. Allele origin: germline.
Comment: The JAK2 c.3236T>C variant is predicted to result in the amino acid substitution p.Ile1079Thr. To our knowledge, this variant has not been reported in the literature or in a large population database, indicating this variant is rare. At this time, the clinical significance of this variant is uncertain due to the absence of conclusive functional and genetic evidence.

NM_004972.4(JAK2):c.3236T>C (p.Ile1079Thr)

Genes: INSL6 (insulin like 6; minus strand), JAK2 (Janus kinase 2; plus strand). Cytogenetic location: 9p24.1.
Variant type: single nucleotide variant.
Coding change: c.3236T>C on transcript NM_004972.4 (MANE Select); coding-DNA position 3236, T replaced by C.
Protein change: p.Ile1079Thr; replaces isoleucine 1079 with threonine.
Molecular consequence: missense variant. On other transcripts: non-coding transcript variant (2).
Genome position (GRCh38, 1-based): chr9:5,126,391, T>C. VCF-style: chr9-5126391-T-C. GRCh37 (hg19) VCF-style: chr9-5126391-T-C.
Other names: c.2789T>C, p.Ile930Thr (NM_001322204.2); c.3236T>C, p.Ile1079Thr (NM_001322194.2, NM_001322195.2, NM_001322196.2); c.2021T>C, p.Ile674Thr (NM_001322198.2, NM_001322199.2); short protein forms I1079T, I674T, I930T.
Identifiers: ClinVar variation 3344025 (VCV003344025.1).